The following is an entry in ClinVar:

ClinVar aggregate classification (germline): Uncertain significance (1 of 4 stars; one submission).

Conditions:
Immunodeficiency. Identifiers: MedGen C0021051, MONDO:0021094, HP:0002721.

Allele frequency attached by ClinVar (database versions not stated): gnomAD exomes below 0.00001.
gnomAD v4.1: 6 of 1,568,142 alleles (0.00038%); highest among the groups gnomAD compares: Non-Finnish European, 0.00051%; no homozygotes.

Submission:

Labcorp Genetics (formerly Invitae), Labcorp
Classification: Uncertain significance for Immunodeficiency. Last evaluated: 2023-10-22. Review status: criteria provided, single submitter. Criteria: Invitae Variant Classification Sherloc (09022015). Collection method: clinical testing. Allele origin: germline.
Comment: This sequence change replaces leucine, which is neutral and non-polar, with tryptophan, which is neutral and slightly polar, at codon 179 of the NFAT5 protein (p.Leu179Trp). This variant is not present in population databases (gnomAD no frequency). This variant has not been reported in the literature in individuals affected with NFAT5-related conditions. An algorithm developed to predict the effect of missense changes on protein structure and function (PolyPhen-2) suggests that this variant is likely to be tolerated. In summary, the available evidence is currently insufficient to determine the role of this variant in disease. Therefore, it has been classified as a Variant of Uncertain Significance.

NM_138713.4(NFAT5):c.818T>G (p.Leu273Trp)

Gene: NFAT5 (nuclear factor of activated T cells 5; plus strand). Cytogenetic location: 16q22.1.
Variant type: single nucleotide variant.
Coding change: c.818T>G on transcript NM_138713.4 (MANE Select); coding-DNA position 818, T replaced by G.
Protein change: p.Leu273Trp; replaces leucine 273 with tryptophan.
Molecular consequence: missense variant.
Genome position (GRCh38, 1-based): chr16:69,653,241, T>G. VCF-style: chr16-69653241-T-G. GRCh37 (hg19) VCF-style: chr16-69687144-T-G.
Other names: c.818T>G, p.Leu273Trp (NM_001113178.3); c.146T>G, p.Leu49Trp (NM_001367709.1); c.764T>G, p.Leu255Trp (NM_006599.4); c.536T>G, p.Leu179Trp (NM_138714.4, NM_173214.3, NM_173215.3); short protein forms L255W, L273W, L179W, L49W.
Identifiers: ClinVar variation 2884354 (VCV002884354.3), dbSNP rs2543968539, ClinGen allele CA396489028.